The following is an entry in ClinVar:

ClinVar aggregate classification (germline): Uncertain significance (1 of 4 stars; one submission).

Submission:

Labcorp Genetics (formerly Invitae), Labcorp
Classification: Uncertain significance. Last evaluated: 2025-01-09. Review status: criteria provided, single submitter. Criteria: Invitae Variant Classification Sherloc (09022015). Collection method: clinical testing. Allele origin: germline.
Comment: This sequence change replaces arginine, which is basic and polar, with serine, which is neutral and polar, at codon 457 of the SLC22A4 protein (p.Arg457Ser). This variant is present in population databases (rs764692894, gnomAD 0.0009%). This variant has not been reported in the literature in individuals affected with SLC22A4-related conditions. Invitae Evidence Modeling of protein sequence and biophysical properties (such as structural, functional, and spatial information, amino acid conservation, physicochemical variation, residue mobility, and thermodynamic stability) indicates that this missense variant is expected to disrupt SLC22A4 protein function with a positive predictive value of 80%. Algorithms developed to predict the effect of sequence changes on RNA splicing suggest that this variant may create or strengthen a splice site. In summary, the available evidence is currently insufficient to determine the role of this variant in disease. Therefore, it has been classified as a Variant of Uncertain Significance.

NM_003059.3(SLC22A4):c.1371G>T (p.Arg457Ser)

Genes: MIR3936HG (MIR3936 host gene; minus strand), SLC22A4 (solute carrier family 22 member 4; plus strand). Cytogenetic location: 5q31.1.
Variant type: single nucleotide variant.
Coding change: c.1371G>T on transcript NM_003059.3 (MANE Select); coding-DNA position 1371, G replaced by T.
Protein change: p.Arg457Ser; replaces arginine 457 with serine.
Molecular consequence: missense variant.
Genome position (GRCh38, 1-based): chr5:132,335,927, G>T. VCF-style: chr5-132335927-G-T. GRCh37 (hg19) VCF-style: chr5-131671620-G-T.
Other names: short protein forms R457S.
Identifiers: ClinVar variation 3694779 (VCV003694779.2).